The following is an entry in ClinVar:

NM_001128148.3(TFRC):c.891C>A (p.Phe297Leu)

Gene: TFRC (transferrin receptor; minus strand). Cytogenetic location: 3q29.
Variant type: single nucleotide variant.
Coding change: c.891C>A on transcript NM_001128148.3 (MANE Select); coding-DNA position 891, C replaced by A.
Protein change: p.Phe297Leu; replaces phenylalanine 297 with leucine.
Molecular consequence: missense variant.
Genome position (GRCh38, 1-based): chr3:196,068,041, G>T on the plus strand (C>A on the coding strand, the complement: TFRC is on the minus strand). VCF-style: chr3-196068041-G-T. GRCh37 (hg19) VCF-style: chr3-195794912-G-T.
Other names: c.648C>A, p.Phe216Leu (NM_001313965.2); c.45C>A, p.Phe15Leu (NM_001313966.2); c.891C>A, p.Phe297Leu (NM_003234.4); c.891C>A (NM_003234.2); short protein forms F216L, F15L, F297L.
Identifiers: ClinVar variation 1365416 (VCV001365416.8), dbSNP rs34490397, ClinGen allele CA2778157.
Genomic context (GRCh38, chr3:196,068,041, plus strand): 5'-AAGAACAACTCAAGGAACTCAAAACGGTGATTTACTCAAGAAATAACTCACATGTCCAAA[G>T]AATGAAAGTTCTGCGTTAACAATGGGAAATTTAGTCTGGTCCATGTATATCAACACACCA-3'
Protein context (NP_001121620.1, residues 287-307): KFPIVNAELS[Phe297Leu]FGHAHLGTGD

ClinVar aggregate classification (germline): Uncertain significance. Review status: criteria provided, multiple submitters, no conflicts (2 of 4 stars). 2 submissions from 2 submitters: Uncertain significance (2). Last evaluated 2025-06-24.

Conditions:
Inborn genetic diseases. Identifiers: MedGen C0950123, MeSH D030342.

Allele frequency attached by ClinVar (database versions not stated): gnomAD exomes 0.00003 and 0.00006; ExAC 0.00007; ESP Exome Variant Server 0.00023; gnomAD 0.00027 and 0.00028; TOPMed 0.00030; 1000 Genomes Project 0.00060; 1000 Genomes Project 30x 0.00062.
gnomAD v4.1: 80 of 1,611,798 alleles (0.005%); highest among the groups gnomAD compares: African/African-American, 0.1%; no homozygotes.

Submissions (2):

Ambry Genetics
Classification: Uncertain significance for Inborn genetic diseases. Last evaluated: 2025-06-24. Review status: criteria provided, single submitter. Criteria: Ambry Variant Classification Scheme 2023. Collection method: clinical testing. Allele origin: germline.

Labcorp Genetics (formerly Invitae), Labcorp
Classification: Uncertain significance. Last evaluated: 2025-05-18. Review status: criteria provided, single submitter. Criteria: Invitae Variant Classification Sherloc (09022015). Collection method: clinical testing. Allele origin: germline.
Comment: This sequence change replaces phenylalanine, which is neutral and non-polar, with leucine, which is neutral and non-polar, at codon 297 of the TFRC protein (p.Phe297Leu). This variant is present in population databases (rs34490397, gnomAD 0.09%), and has an allele count higher than expected for a pathogenic variant. This variant has not been reported in the literature in individuals affected with TFRC-related conditions. ClinVar contains an entry for this variant (Variation ID: 1365416). Invitae Evidence Modeling of protein sequence and biophysical properties (such as structural, functional, and spatial information, amino acid conservation, physicochemical variation, residue mobility, and thermodynamic stability) indicates that this missense variant is not expected to disrupt TFRC protein function with a negative predictive value of 80%. In summary, the available evidence is currently insufficient to determine the role of this variant in disease. Therefore, it has been classified as a Variant of Uncertain Significance.